The following is an entry in ClinVar:

NM_020717.5(SHROOM4):c.4322G>A (p.Arg1441His)

Gene: SHROOM4 (shroom family member 4; minus strand). Cytogenetic location: Xp11.22.
Variant type: single nucleotide variant.
Coding change: c.4322G>A on transcript NM_020717.5 (MANE Select); coding-DNA position 4322, G replaced by A.
Protein change: p.Arg1441His; replaces arginine 1441 with histidine.
Molecular consequence: missense variant. On other transcripts: non-coding transcript variant (4).
Genome position (GRCh38, 1-based): chrX:50,596,855, C>T on the plus strand (G>A on the coding strand, the complement: SHROOM4 is on the minus strand). VCF-style: chrX-50596855-C-T. GRCh37 (hg19) VCF-style: chrX-50339855-C-T.
Other names: short protein forms R1441H.
Identifiers: ClinVar variation 1029773 (VCV001029773.1), dbSNP rs781832862, ClinGen allele CA10415841.

ClinVar aggregate classification (germline): Uncertain significance (1 of 4 stars; one submission).

Conditions:
Intellectual developmental disorder, X-linked, syndromic, Stocco dos Santos type. Also called: STOCCO DOS SANTOS X-LINKED MENTAL RETARDATION SYNDROME; Stocco dos Santos syndrome; X-linked intellectual disability, Stocco dos Santos type. Identifiers: Orphanet 85288, MedGen C1845530, MONDO:0010325, OMIM 300434.

Allele frequency attached by ClinVar (database versions not stated): TOPMed 0.00001; gnomAD exomes 0.00002 and 0.00001; ExAC 0.00001; gnomAD 0.00001.
gnomAD v4.1: 15 of 1,209,366 alleles (0.0012%); highest among the groups gnomAD compares: East Asian, 0.003%; no homozygotes.

Submission:

Baylor Genetics
Classification: Uncertain significance for Intellectual developmental disorder, X-linked, syndromic, Stocco dos Santos type. Last evaluated: 2019-08-02. Review status: criteria provided, single submitter. Criteria: ACMG Guidelines, 2015. Collection method: clinical testing. Allele origin: unknown. Affected: yes.
Comment: This variant was determined to be of uncertain significance according to ACMG Guidelines, 2015 [PMID:25741868].